The following is an entry in ClinVar:

NM_000400.4(ERCC2):c.869A>T (p.Glu290Val)

Gene: ERCC2 (ERCC excision repair 2, TFIIH core complex helicase subunit; minus strand). Cytogenetic location: 19q13.32.
Variant type: single nucleotide variant.
Coding change: c.869A>T on transcript NM_000400.4 (MANE Select); coding-DNA position 869, A replaced by T.
Protein change: p.Glu290Val; replaces glutamic acid 290 with valine.
Molecular consequence: missense variant.
Genome position (GRCh38, 1-based): chr19:45,364,066, T>A on the plus strand (A>T on the coding strand, the complement: ERCC2 is on the minus strand). VCF-style: chr19-45364066-T-A. GRCh37 (hg19) VCF-style: chr19-45867324-T-A.
Other names: c.797A>T, p.Glu266Val (NM_001130867.2); short protein forms E266V, E290V.
Identifiers: ClinVar variation 1319426 (VCV001319426.4), dbSNP rs1294229556, ClinGen allele CA406373622.

ClinVar aggregate classification (germline): Uncertain significance. Review status: criteria provided, multiple submitters, no conflicts (2 of 4 stars). 2 submissions from 2 submitters: Uncertain significance (2). Last evaluated 2022-08-15.

Allele frequency attached by ClinVar (database versions not stated): TOPMed 0.00001; gnomAD 0.00001; gnomAD exomes 0.00001.
gnomAD v4.1: 8 of 1,585,424 alleles (0.0005%); highest among the groups gnomAD compares: Non-Finnish European, 0.00069%; no homozygotes.

Submissions (2):

Labcorp Genetics (formerly Invitae), Labcorp
Classification: Uncertain significance. Last evaluated: 2022-08-15. Review status: criteria provided, single submitter. Criteria: Invitae Variant Classification Sherloc (09022015). Collection method: clinical testing. Allele origin: germline.
Comment: This sequence change replaces glutamic acid, which is acidic and polar, with valine, which is neutral and non-polar, at codon 290 of the ERCC2 protein (p.Glu290Val). The frequency data for this variant in the population databases is considered unreliable, as metrics indicate poor data quality at this position in the gnomAD database. This variant has not been reported in the literature in individuals affected with ERCC2-related conditions. ClinVar contains an entry for this variant (Variation ID: 1319426). Algorithms developed to predict the effect of missense changes on protein structure and function are either unavailable or do not agree on the potential impact of this missense change (SIFT: "Deleterious"; PolyPhen-2: "Possibly Damaging"; Align-GVGD: "Class C0"). Algorithms developed to predict the effect of sequence changes on RNA splicing suggest that this variant may create or strengthen a splice site. In summary, the available evidence is currently insufficient to determine the role of this variant in disease. Therefore, it has been classified as a Variant of Uncertain Significance.

Institute for Clinical Genetics, University Hospital TU Dresden, University Hospital TU Dresden
Classification: Uncertain significance. Last evaluated: 2021-11-03. Review status: criteria provided, single submitter. Criteria: ACMG Guidelines, 2015. Collection method: clinical testing. Allele origin: germline.